The following is an entry in ClinVar:

NM_178452.6(DNAAF1):c.1936C>G (p.Leu646Val)

Gene: DNAAF1 (dynein axonemal assembly factor 1; plus strand). Cytogenetic location: 16q24.1.
Variant type: single nucleotide variant.
Coding change: c.1936C>G on transcript NM_178452.6 (MANE Select); coding-DNA position 1936, C replaced by G.
Protein change: p.Leu646Val; replaces leucine 646 with valine.
Molecular consequence: missense variant.
Genome position (GRCh38, 1-based): chr16:84,176,170, C>G. VCF-style: chr16-84176170-C-G. GRCh37 (hg19) VCF-style: chr16-84209776-C-G.
Other names: c.1228C>G, p.Leu410Val (NM_001318756.1); short protein forms L410V, L646V.
Identifiers: ClinVar variation 2080441 (VCV002080441.4), dbSNP rs2507529776, ClinGen allele CA396951102.

ClinVar aggregate classification (germline): Uncertain significance (1 of 4 stars; one submission).

Conditions:
Primary ciliary dyskinesia. Also called: Ciliary dyskinesia. Identifiers: Orphanet 244, MedGen C0008780, MONDO:0016575, HP:0012265.

Submission:

Labcorp Genetics (formerly Invitae), Labcorp
Classification: Uncertain significance for Primary ciliary dyskinesia. Last evaluated: 2022-03-17. Review status: criteria provided, single submitter. Criteria: Invitae Variant Classification Sherloc (09022015). Collection method: clinical testing. Allele origin: germline.
Comment: In summary, the available evidence is currently insufficient to determine the role of this variant in disease. Therefore, it has been classified as a Variant of Uncertain Significance. Algorithms developed to predict the effect of missense changes on protein structure and function are either unavailable or do not agree on the potential impact of this missense change (SIFT: "Deleterious"; PolyPhen-2: "Possibly Damaging"; Align-GVGD: "Class C0"). This variant has not been reported in the literature in individuals affected with DNAAF1-related conditions. This variant is not present in population databases (gnomAD no frequency). This sequence change replaces leucine, which is neutral and non-polar, with valine, which is neutral and non-polar, at codon 646 of the DNAAF1 protein (p.Leu646Val).